The following is an entry in ClinVar:

NM_001289104.2(PRKCSH):c.1055C>T (p.Pro352Leu)

Gene: PRKCSH (PRKCSH beta subunit of glucosidase II; plus strand). Cytogenetic location: 19p13.2.
Variant type: single nucleotide variant.
Coding change: c.1055C>T on transcript NM_001289104.2 (MANE Select); coding-DNA position 1055, C replaced by T.
Protein change: p.Pro352Leu; replaces proline 352 with leucine.
Molecular consequence: missense variant. On other transcripts: intron variant (3).
Genome position (GRCh38, 1-based): chr19:11,447,718, C>T. VCF-style: chr19-11447718-C-T. GRCh37 (hg19) VCF-style: chr19-11558533-C-T.
Other names: p.Pro345Leu; c.1055C>T, p.Pro352Leu (NM_001289103.2); c.1034C>T, p.Pro345Leu (NM_001379608.1, NM_002743.3); c.1030-5C>T (NM_001379609.1, NM_001001329.3, NM_001289102.2); short protein forms P352L, P345L.
Identifiers: ClinVar variation 742052 (VCV000742052.17), dbSNP rs201537803, ClinGen allele CA9213134.
Genomic context (GRCh38, chr19:11,447,718, plus strand): 5'-GGAAGGGCTACTCACTGACCCTGCCCCTGCCCCAGGAGGCCCCACCGCCACTGTCACCCC[C>T]GCAGCCGGCCAGCCCTGCTGAGGAAGACAAAATGCCGCCCTACGACGAGCAGACGCAGGC-3'
Protein context (NP_001276033.1, residues 342-362): PKEAPPPLSP[Pro352Leu]QPASPAEEDK

ClinVar aggregate classification (germline): Conflicting classifications of pathogenicity. Review status: criteria provided, conflicting classifications (1 of 4 stars). 6 submissions from 6 submitters: Uncertain significance (1); Benign (3); Likely benign (2). Last evaluated 2025-12-09.

Conditions:
Polycystic liver disease 1 (PCLD1). Also called: Polycystic liver disease 1 with or without kidney cysts. Identifiers: Orphanet 2924, MedGen C0887850, MONDO:0008265, OMIM 174050.

Allele frequency attached by ClinVar (database versions not stated): ESP Exome Variant Server 0.00031; gnomAD 0.00057 and 0.00072; TOPMed 0.00062; 1000 Genomes Project 30x 0.00156; ExAC 0.00162; 1000 Genomes Project 0.00180.
gnomAD v4.1: 744 of 1,588,382 alleles (0.047%); highest among the groups gnomAD compares: South Asian, 0.41%; 6 homozygotes.

Submissions (6):

GeneDx
Classification: Uncertain significance. Last evaluated: 2025-12-09. Review status: criteria provided, single submitter. Criteria: GeneDx Variant Classification Process June 2021. Collection method: clinical testing. Allele origin: germline. Affected: yes.
Comment: In silico analysis supports that this missense variant has a deleterious effect on protein structure/function; Has not been previously published as pathogenic or benign to our knowledge

Mayo Clinic Laboratories, Mayo Clinic
Classification: Likely benign. Last evaluated: 2025-09-12. Review status: criteria provided, single submitter. Criteria: ACMG Guidelines, 2015. Collection method: clinical testing. Allele origin: germline. Observed: 1 variant allele.
Comment: BS1, BP4_moderate

Labcorp Genetics (formerly Invitae), Labcorp
Classification: Benign. Last evaluated: 2025-08-18. Review status: criteria provided, single submitter. Criteria: Invitae Variant Classification Sherloc (09022015). Collection method: clinical testing. Allele origin: germline.

Blueprint Genetics
Classification: Likely benign. Last evaluated: 2024-10-25. Review status: criteria provided, single submitter. Criteria: ACMG Guidelines, 2015. Collection method: clinical testing. Allele origin: germline.

Illumina Laboratory Services, Illumina
Classification: Benign for Polycystic liver disease 1. Last evaluated: 2018-04-06. Review status: criteria provided, single submitter. Criteria: ICSL Variant Classification Criteria 13 December 2019. Collection method: clinical testing. Allele origin: germline.
Comment: This variant was observed in the ICSL laboratory as part of a predisposition screen in an ostensibly healthy population. It had not been previously curated by ICSL or reported in the Human Gene Mutation Database (HGMD: prior to June 1st, 2018), and was therefore a candidate for classification through an automated scoring system. Utilizing variant allele frequency, disease prevalence and penetrance estimates, and inheritance mode, an automated score was calculated to assess if this variant is too frequent to cause the disease. Based on the score and internal cut-off values, a variant classified as benign is not then subjected to further curation. The score for this variant resulted in a classification of benign for this disease.

Breakthrough Genomics
Classification: Benign. Review status: criteria provided, single submitter. Criteria: ACMG Guidelines, 2015. Collection method: not provided. Allele origin: germline. Inheritance: Autosomal dominant inheritance. Affected: yes.